The following is an entry in ClinVar:

NM_001005388.3(NFASC):c.2959G>A (p.Ala987Thr)

Gene: NFASC (neurofascin; plus strand). Cytogenetic location: 1q32.1.
Variant type: single nucleotide variant.
Coding change: c.2959G>A on transcript NM_001005388.3 (MANE Select); coding-DNA position 2959, G replaced by A.
Protein change: p.Ala987Thr; replaces alanine 987 with threonine.
Molecular consequence: missense variant. On other transcripts: intron variant (4).
Genome position (GRCh38, 1-based): chr1:204,997,346, G>A. VCF-style: chr1-204997346-G-A. GRCh37 (hg19) VCF-style: chr1-204966474-G-A.
Other names: c.3280G>A, p.Ala1094Thr (NM_001378329.1); c.3091+6040G>A (NM_001160332.2); c.3076+8540G>A (NM_015090.4); c.2755+8540G>A (NM_001365986.1); c.3136+6040G>A (NM_001160331.2); short protein forms A987T, A1094T.
Identifiers: ClinVar variation 2398123 (VCV002398123.28), dbSNP rs183209390, ClinGen allele CA1350575.

ClinVar aggregate classification (germline): Likely benign. Review status: criteria provided, multiple submitters, no conflicts (2 of 4 stars). 3 submissions from 3 submitters: Likely benign (2). 1 of the submissions does not count toward it. Last evaluated 2026-06-01.

Conditions:
NFASC-related disorder. Also called: NFASC-related condition.
Inborn genetic diseases. Identifiers: MedGen C0950123, MeSH D030342.

Allele frequency attached by ClinVar (database versions not stated): 1000 Genomes Project 0.00120; TOPMed 0.00423; ExAC 0.00436; ESP Exome Variant Server 0.00436; gnomAD 0.00464; gnomAD exomes 0.00518.
gnomAD v4.1: 7,996 of 1,561,440 alleles (0.51%); highest among the groups gnomAD compares: Non-Finnish European, 0.59%; 26 homozygotes.

Submissions (3):

CeGaT Center for Human Genetics Tuebingen
Classification: Likely benign. Last evaluated: 2026-06-01. Review status: criteria provided, single submitter. Criteria: CeGaT Center For Human Genetics Tuebingen Variant Classification Criteria Version 2. Collection method: clinical testing. Allele origin: germline. Affected: yes. Observed: 15 variant alleles.
Comment: NFASC: PP2, BP4, BS2

Ambry Genetics
Classification: Likely benign for Inborn genetic diseases. Last evaluated: 2022-04-28. Review status: criteria provided, single submitter. Criteria: Ambry Variant Classification Scheme 2023. Collection method: clinical testing. Allele origin: germline.

PreventionGenetics, part of Exact Sciences
Classification: Benign for NFASC-related condition. Last evaluated: 2019-05-31. Review status: no assertion criteria provided. Collection method: clinical testing. Allele origin: germline. Not counted in ClinVar's aggregate classification.
Comment: This variant is classified as benign based on ACMG/AMP sequence variant interpretation guidelines (Richards et al. 2015 PMID: 25741868, with internal and published modifications).